The following is an entry in ClinVar:

NM_001353345.2(SETD1B):c.3014C>A (p.Thr1005Asn)

Gene: SETD1B (SET domain containing 1B, histone lysine methyltransferase; plus strand). Cytogenetic location: 12q24.31.
Variant type: single nucleotide variant.
Coding change: c.3014C>A on transcript NM_001353345.2 (MANE Select); coding-DNA position 3014, C replaced by A.
Protein change: p.Thr1005Asn; replaces threonine 1005 with asparagine.
Molecular consequence: missense variant.
Genome position (GRCh38, 1-based): chr12:121,817,406, C>A. VCF-style: chr12-121817406-C-A. GRCh37 (hg19) VCF-style: chr12-122255312-C-A.
Other names: short protein forms T1005N.
Identifiers: ClinVar variation 3241982 (VCV003241982.1), dbSNP rs760175934.
Genomic context (GRCh38, chr12:121,817,406, plus strand): 5'-CTCTGACTCCCTCCCTTCCTGCAGAGTCCGAGCGAGAGCGAGACCGGGATATGGCAGACA[C>A]CCCCTGTGAGCTCGCCAAGCGGGACCCCAAGGGCGTGGGTGTGCGGCGGCGGCCGGCGCG-3'
Protein context (NP_001340274.1, residues 995-1015): ERERDRDMAD[Thr1005Asn]PCELAKRDPK

ClinVar aggregate classification (germline): Uncertain significance (1 of 4 stars; one submission).

Conditions:
Intellectual developmental disorder with seizures and language delay (IDDSELD). Identifiers: MedGen C5436574, MONDO:0033559, OMIM 619000.

Allele frequency attached by ClinVar (database versions not stated): TOPMed 0.00001; gnomAD 0.00002; ExAC 0.00008.
gnomAD v4.1: 29 of 1,533,302 alleles (0.0019%); highest among the groups gnomAD compares: South Asian, 0.0049%; no homozygotes.

Submission:

Neuberg Centre For Genomic Medicine, NCGM
Classification: Uncertain significance for Intellectual developmental disorder with seizures and language delay. Review status: criteria provided, single submitter. Criteria: ACMG Guidelines, 2015. Collection method: clinical testing. Allele origin: germline. Inheritance: Autosomal dominant inheritance. Affected: yes.
Comment: The missense c.3014C>A (p.Thr1005Asn) variant in the SETD1B gene has not been reported previously as a pathogenic variant nor as a benign variant, to our knowledge. This variant is reported with the allele frequency (0.002%) in the gnomAD Exomes. The amino acid Threonine at position 1005 is changed to a Asparagine changing protein sequence and it might alter its composition and physico-chemical properties. The amino acid change p.Thr1005Asn in SETD1B is predicted as conserved by GERP++ and PhyloP across 100 vertebrates. For these reasons, this variant has been classified as Uncertain Significance.